The following is an entry in ClinVar:

ClinVar aggregate classification (germline): Uncertain significance (1 of 4 stars; one submission).

Conditions:
Duchenne muscular dystrophy (DMD). Also called: MUSCULAR DYSTROPHY, PSEUDOHYPERTROPHIC PROGRESSIVE, DUCHENNE TYPE; Duchenne Muscular Dystrophy (DMD). Identifiers: Orphanet 98896, MedGen C0013264, MONDO:0010679, OMIM 310200.

Submission:

Labcorp Genetics (formerly Invitae), Labcorp
Classification: Uncertain significance for Duchenne muscular dystrophy. Last evaluated: 2026-01-07. Review status: criteria provided, single submitter. Criteria: Invitae Variant Classification Sherloc (09022015). Collection method: clinical testing. Allele origin: germline.
Comment: This sequence change replaces arginine, which is basic and polar, with proline, which is neutral and non-polar, at codon 1459 of the DMD protein (p.Arg1459Pro). This variant is not present in population databases (gnomAD no frequency). This variant has not been reported in the literature in individuals affected with DMD-related conditions. Invitae Evidence Modeling of protein sequence and biophysical properties (such as structural, functional, and spatial information, amino acid conservation, physicochemical variation, residue mobility, and thermodynamic stability) indicates that this missense variant is not expected to disrupt DMD protein function with a negative predictive value of 95%. In summary, the available evidence is currently insufficient to determine the role of this variant in disease. Therefore, it has been classified as a Variant of Uncertain Significance.

NM_004006.3(DMD):c.4376G>C (p.Arg1459Pro)

Gene: DMD (dystrophin; minus strand). Cytogenetic location: Xp21.1.
Variant type: single nucleotide variant.
Coding change: c.4376G>C on transcript NM_004006.3 (MANE Select); coding-DNA position 4376, G replaced by C.
Protein change: p.Arg1459Pro; replaces arginine 1459 with proline.
Molecular consequence: missense variant.
Genome position (GRCh38, 1-based): chrX:32,389,643, C>G on the plus strand (G>C on the coding strand, the complement: DMD is on the minus strand). VCF-style: chrX-32389643-C-G. GRCh37 (hg19) VCF-style: chrX-32407760-C-G.
Other names: c.4352G>C, p.Arg1451Pro (NM_000109.4); c.4364G>C, p.Arg1455Pro (NM_004009.3); c.4007G>C, p.Arg1336Pro (NM_004010.3); c.353G>C, p.Arg118Pro (NM_004011.4); c.344G>C, p.Arg115Pro (NM_004012.4); short protein forms R115P, R118P, R1336P, R1451P, R1455P, R1459P.
Identifiers: ClinVar variation 4798289 (VCV004798289.1).
Genomic context (GRCh38, chrX:32,389,643, plus strand): 5'-TCTAAAATCATCTTACTTTCTTGTAGACGCTGCTCAAAATTGGCTGGTTTCTGGAATAAT[C>G]GAAACTTCATGGAGACATCTTGTAATTTTTTCTGTAAGGACAGTGTAAAAAGGCACTGAT-3'
Protein context (NP_003997.2, residues 1449-1469): KKLQDVSMKF[Arg1459Pro]LFQKPANFEQ